The following is an entry in ClinVar:

ClinVar aggregate classification (germline): Pathogenic (1 of 4 stars; one submission).

gnomAD v4.1: 1 of 1,614,212 alleles (0.000062%); highest among the groups gnomAD compares: Non-Finnish European, 0.000085%; no homozygotes.

Submission:

Labcorp Genetics (formerly Invitae), Labcorp
Classification: Pathogenic. Last evaluated: 2023-03-14. Review status: criteria provided, single submitter. Criteria: Invitae Variant Classification Sherloc (09022015). Collection method: clinical testing. Allele origin: germline.
Comment: This sequence change creates a premature translational stop signal (p.Trp96*) in the HMOX1 gene. It is expected to result in an absent or disrupted protein product. Loss-of-function variants in HMOX1 are known to be pathogenic (PMID: 9884342, 21088618). For these reasons, this variant has been classified as Pathogenic. This variant has not been reported in the literature in individuals affected with HMOX1-related conditions. This variant is not present in population databases (gnomAD no frequency).

Literature cited by the submitters: PubMed 9884342; PubMed 21088618.

NM_002133.3(HMOX1):c.288G>A (p.Trp96Ter)

Gene: HMOX1 (heme oxygenase 1; plus strand). Cytogenetic location: 22q12.3.
Variant type: single nucleotide variant.
Coding change: c.288G>A on transcript NM_002133.3 (MANE Select); coding-DNA position 288, G replaced by A.
Protein change: p.Trp96Ter; replaces tryptophan 96 with a stop codon.
Molecular consequence: nonsense.
Genome position (GRCh38, 1-based): chr22:35,386,828, G>A. VCF-style: chr22-35386828-G-A. GRCh37 (hg19) VCF-style: chr22-35782821-G-A.
Other names: short protein forms W96*.
Identifiers: ClinVar variation 2845608 (VCV002845608.3), dbSNP rs755879599, ClinGen allele CA411352403.